The following is an entry in ClinVar:

NM_006893.3(EIF2D):c.1261A>G (p.Lys421Glu)

Gene: EIF2D (eukaryotic translation initiation factor 2D; minus strand). Cytogenetic location: 1q32.1.
Variant type: single nucleotide variant.
Coding change: c.1261A>G on transcript NM_006893.3 (MANE Select); coding-DNA position 1261, A replaced by G.
Protein change: p.Lys421Glu; replaces lysine 421 with glutamic acid.
Molecular consequence: missense variant.
Genome position (GRCh38, 1-based): chr1:206,599,034, T>C on the plus strand (A>G on the coding strand, the complement: EIF2D is on the minus strand). VCF-style: chr1-206599034-T-C. GRCh37 (hg19) VCF-style: chr1-206772388-T-C.
Other names: c.889A>G, p.Lys297Glu (NM_001201478.2); short protein forms K297E, K421E.
Identifiers: ClinVar variation 2639861 (VCV002639861.24), dbSNP rs116454317, ClinGen allele CA1362501.

ClinVar aggregate classification (germline): Likely benign (1 of 4 stars; one submission).

Allele frequency attached by ClinVar (database versions not stated): 1000 Genomes Project 30x 0.00031; 1000 Genomes Project 0.00040; TOPMed 0.00115; gnomAD 0.00141; ESP Exome Variant Server 0.00169; ExAC 0.00180; gnomAD exomes 0.00229.

Submission:

CeGaT Center for Human Genetics Tuebingen
Classification: Likely benign. Last evaluated: 2023-02-01. Review status: criteria provided, single submitter. Criteria: CeGaT Center For Human Genetics Tuebingen Variant Classification Criteria Version 2. Collection method: clinical testing. Allele origin: germline. Affected: yes. Observed: 1 variant allele.
Comment: EIF2D: BP4, BS2